The following is an entry in ClinVar:

ClinVar aggregate classification (germline): Uncertain significance. Review status: criteria provided, multiple submitters, no conflicts (2 of 4 stars). 3 submissions from 3 submitters: Uncertain significance (3). Last evaluated 2026-02-11.

Conditions:
Thrombocytosis. Also called: Thrombocytosis disease; Thrombocythemia. Identifiers: MedGen C0836924, MONDO:0002249, HP:0001894.

Allele frequency attached by ClinVar (database versions not stated): TOPMed 0.00032; gnomAD 0.00034 and 0.00032; ESP Exome Variant Server 0.00038; ExAC 0.00013; gnomAD exomes 0.00026 and 0.00014.

Submissions (3):

St. Jude Molecular Pathology, St. Jude Children's Research Hospital
Classification: Uncertain significance for Thrombocythemia. Last evaluated: 2026-02-11. Review status: criteria provided, single submitter. Criteria: St. Jude Assertion Criteria 2020. Collection method: clinical testing. Allele origin: germline.
Comment: The SH2B3 c.794G >A p.(Arg265Gln) missense change has a maximum subpopulation frequency of 0.06% in gnomAD v2.1.1. The in silico tool REVEL predicts a benign effect on protein function, but to our knowledge this prediction has not bee n confirmed by functional studies. This variant has been reported in an individual with myeloid neoplasm (PMID: 32512379). In summary, the evidence currently available is insufficient to determine the clinical significance of this variant. It has therefo re been classified as of uncertain significance.

GeneDx
Classification: Uncertain significance. Last evaluated: 2022-07-05. Review status: criteria provided, single submitter. Criteria: GeneDx Variant Classification Process June 2021. Collection method: clinical testing. Allele origin: germline. Affected: yes.
Comment: In silico analysis supports that this missense variant does not alter protein structure/function; Observed in an individual with myelodysplastic syndrome (Aguilera-Diaz et al., 2020); Variants in candidate genes are classified as variants of uncertain significance in accordance with ACMG guidelines (Richards et al., 2015); This variant is associated with the following publications: (PMID: 32512379, Palomino-Echeverria[Poster])

Mendelics
Classification: Uncertain significance. Last evaluated: 2022-05-04. Review status: criteria provided, single submitter. Criteria: Mendelics Assertion Criteria 2019. Collection method: clinical testing. Allele origin: germline.

NM_005475.3(SH2B3):c.794G>A (p.Arg265Gln)

Gene: SH2B3 (SH2B adaptor protein 3; plus strand). Cytogenetic location: 12q24.12.
Variant type: single nucleotide variant.
Coding change: c.794G>A on transcript NM_005475.3 (MANE Select); coding-DNA position 794, G replaced by A.
Protein change: p.Arg265Gln; replaces arginine 265 with glutamine.
Molecular consequence: missense variant.
Genome position (GRCh38, 1-based): chr12:111,446,814, G>A. VCF-style: chr12-111446814-G-A. GRCh37 (hg19) VCF-style: chr12-111884618-G-A.
Other names: c.188G>A, p.Arg63Gln (NM_001291424.1); c.794G>A (NM_005475.2); short protein forms R265Q, R63Q.
Identifiers: ClinVar variation 1685101 (VCV001685101.3), dbSNP rs149554298, ClinGen allele CA6789735.